The following is an entry in ClinVar:

ClinVar aggregate classification (germline): Uncertain significance. Review status: criteria provided, multiple submitters, no conflicts (2 of 4 stars). 4 submissions from 4 submitters: Uncertain significance (4). Last evaluated 2025-08-14.

Conditions:
Myofibrillar myopathy 5. Also called: Filaminopathy (type); FILAMINOPATHY, AUTOSOMAL DOMINANT. Identifiers: Orphanet 171445, MedGen C1836050, MONDO:0012289, OMIM 609524.
Distal myopathy with posterior leg and anterior hand involvement. Also called: WILLIAMS DISTAL MYOPATHY. Identifiers: Orphanet 63273, MedGen C3279722, MONDO:0013550, OMIM 614065.
Hypertrophic cardiomyopathy 26. Also called: Cardiomyopathy, familial hypertrophic, 26. Identifiers: Orphanet 75249, MedGen C4310749, MONDO:0014883, OMIM 617047.
Dilated Cardiomyopathy, Dominant.
Cardiovascular phenotype. Identifiers: MedGen CN230736.

Allele frequency attached by ClinVar (database versions not stated): gnomAD exomes below 0.00001 and 0.00002; gnomAD 0.00001; TOPMed 0.00001.
gnomAD v4.1: 26 of 1,613,702 alleles (0.0016%); highest among the groups gnomAD compares: Non-Finnish European, 0.0021%; no homozygotes.

Submissions (4):

Ambry Genetics
Classification: Uncertain significance for Cardiovascular phenotype. Last evaluated: 2025-08-14. Review status: criteria provided, single submitter. Criteria: Ambry Variant Classification Scheme 2023. Collection method: clinical testing. Allele origin: germline.
Comment: The p.V2017M variant (also known as c.6049G>A), located in coding exon 37 of the FLNC gene, results from a G to A substitution at nucleotide position 6049. The valine at codon 2017 is replaced by methionine, an amino acid with highly similar properties. This variant was reported in individual(s) with features consistent with cardiac arrhythmia (Nunn LM et al. Europace, 2016 Jun;18:888-96). This amino acid position is well conserved in available vertebrate species. In addition, the in silico prediction for this alteration is inconclusive. Based on the available evidence, the clinical significance of this variant remains unclear.

Labcorp Genetics (formerly Invitae), Labcorp
Classification: Uncertain significance for Distal myopathy with posterior leg and anterior hand involvement; Myofibrillar myopathy 5; Hypertrophic cardiomyopathy 26. Last evaluated: 2024-10-21. Review status: criteria provided, single submitter. Criteria: Invitae Variant Classification Sherloc (09022015). Collection method: clinical testing. Allele origin: germline.
Comment: This sequence change replaces valine, which is neutral and non-polar, with methionine, which is neutral and non-polar, at codon 2017 of the FLNC protein (p.Val2017Met). This variant is present in population databases (no rsID available, gnomAD 0.03%). This variant has not been reported in the literature in individuals affected with FLNC-related conditions. ClinVar contains an entry for this variant (Variation ID: 951964). Invitae Evidence Modeling of protein sequence and biophysical properties (such as structural, functional, and spatial information, amino acid conservation, physicochemical variation, residue mobility, and thermodynamic stability) has been performed for this missense variant. However, the output from this modeling did not meet the statistical confidence thresholds required to predict the impact of this variant on FLNC protein function. In summary, the available evidence is currently insufficient to determine the role of this variant in disease. Therefore, it has been classified as a Variant of Uncertain Significance.

Blueprint Genetics
Classification: Uncertain significance. Last evaluated: 2024-10-03. Review status: criteria provided, single submitter. Criteria: ACMG Guidelines, 2015. Collection method: clinical testing. Allele origin: germline.

Revvity Omics, Revvity
Classification: Uncertain significance. Last evaluated: 2024-06-20. Review status: criteria provided, single submitter. Criteria: ACMG Guidelines, 2015. Collection method: clinical testing. Allele origin: germline.

Literature cited by the submitters: PubMed 26498160 (cited by Ambry Genetics).

NM_001458.5(FLNC):c.6049G>A (p.Val2017Met)

Genes: FLNC (filamin C; plus strand), FLNC-AS1 (FLNC antisense RNA 1; minus strand). Cytogenetic location: 7q32.1.
Variant type: single nucleotide variant.
Coding change: c.6049G>A on transcript NM_001458.5 (MANE Select); coding-DNA position 6049, G replaced by A.
Protein change: p.Val2017Met; replaces valine 2017 with methionine.
Molecular consequence: missense variant.
Genome position (GRCh38, 1-based): chr7:128,852,872, G>A. VCF-style: chr7-128852872-G-A. GRCh37 (hg19) VCF-style: chr7-128492926-G-A.
Other names: c.5950G>A, p.Val1984Met (NM_001127487.2); short protein forms V1984M, V2017M.
Identifiers: ClinVar variation 951964 (VCV000951964.10), dbSNP rs1019545678, ClinGen allele CA166190157.